The following is an entry in ClinVar:

NM_015311.3(OBSL1):c.2548_2549del (p.Glu849_Ser850insTer)

Gene: OBSL1 (obscurin like cytoskeletal adaptor 1; minus strand). Cytogenetic location: 2q35.
Variant type: Microsatellite.
Coding change: c.2548_2549del on transcript NM_015311.3 (MANE Select); coding-DNA positions 2548 to 2549, 2 bases deleted (AG; older notation c.2548_2549delAG).
Protein change: p.Glu849_Ser850insTer.
Molecular consequence: nonsense.
Genome position (GRCh38, 1-based): chr2:219,563,486-219,563,487, CT deleted on the plus strand (AG on the coding strand, the reverse complement: OBSL1 is on the minus strand); deleting any 2 consecutive bases within chr2:219,563,486-219,563,490 gives the same sequence; the c. name uses the placement nearest the transcript's 3' end. VCF-style (leftmost placement, unchanged base first): chr2-219563485-ACT-A. GRCh37 (hg19) VCF-style: chr2-220428207-ACT-A.
Other names: c.2548_2549del, p.Glu849_Ser850insTer (NM_001173408.2, NM_001173431.2).
Identifiers: ClinVar variation 4074387 (VCV004074387.2).
Genomic context (GRCh38, chr2:219,563,485, plus strand): 5'-CTGGGTGGCGGGCAGCACCAGGCGGCGATGGGGCCCCTCATTCTCCAGCACCACGAAGTC[ACT>A]CTCCTCCACCTCCTGCCCGTCCTTGTACCAACGCACAGGGGCGTCCTCTCGGTCCACCTC-3'

ClinVar aggregate classification (germline): Likely pathogenic. Review status: criteria provided, multiple submitters, no conflicts (2 of 4 stars). 2 submissions from 2 submitters: Likely pathogenic (2). Last evaluated 2025-02-10.

Conditions:
OBSL1-related disorder. Also called: OBSL1-related condition.

Submissions (2):

GeneDx
Classification: Likely pathogenic. Last evaluated: 2025-02-10. Review status: criteria provided, single submitter. Criteria: GeneDx Variant Classification Process June 2021. Collection method: clinical testing. Allele origin: germline. Affected: yes.
Comment: Nonsense variant predicted to result in protein truncation or nonsense mediated decay in a gene for which loss of function is a known mechanism of disease; Not observed at significant frequency in large population cohorts (gnomAD); Has not been previously published as pathogenic or benign to our knowledge

Blueprint Genetics
Classification: Likely pathogenic for OBSL1-related disorders. Last evaluated: 2024-10-29. Review status: criteria provided, single submitter. Criteria: ACMG Guidelines, 2015. Collection method: clinical testing. Allele origin: germline. Affected: yes. Observed: 2 variant alleles.